The following is an entry in ClinVar:

NM_020780.2(DISP3):c.2058C>T (p.Asp686=)

Gene: DISP3 (dispatched RND transporter family member 3; plus strand). Cytogenetic location: 1p36.22.
Variant type: single nucleotide variant.
Coding change: c.2058C>T on transcript NM_020780.2 (MANE Select); coding-DNA position 2058, C replaced by T.
Protein change: p.Asp686=; no amino-acid change (aspartic acid 686 retained).
Molecular consequence: synonymous variant.
Genome position (GRCh38, 1-based): chr1:11,519,738, C>T. VCF-style: chr1-11519738-C-T. GRCh37 (hg19) VCF-style: chr1-11579795-C-T.
Identifiers: ClinVar variation 3057220 (VCV003057220.2), dbSNP rs374016674, ClinGen allele CA591866.

ClinVar aggregate classification (germline): Likely benign (0 of 4 stars; one submission).

Conditions:
DISP3-related disorder. Also called: DISP3-related condition.

Allele frequency attached by ClinVar (database versions not stated): gnomAD exomes 0.00011; ExAC 0.00013; ESP Exome Variant Server 0.00024; gnomAD 0.00027; TOPMed 0.00031.
gnomAD v4.1: 197 of 1,612,818 alleles (0.012%); highest among the groups gnomAD compares: African/African-American, 0.083%; no homozygotes.

Submission:

PreventionGenetics, part of Exact Sciences
Classification: Likely benign for DISP3-related condition. Last evaluated: 2019-04-30. Review status: no assertion criteria provided. Collection method: clinical testing. Allele origin: germline.
Comment: This variant is classified as likely benign based on ACMG/AMP sequence variant interpretation guidelines (Richards et al. 2015 PMID: 25741868, with internal and published modifications).